The following is an entry in ClinVar:

ClinVar aggregate classification (germline): Uncertain significance (1 of 4 stars; one submission).

Conditions:
TRMU-related disorder. Also called: TRMU-related condition.

Submission:

PreventionGenetics, part of Exact Sciences
Classification: Uncertain significance for TRMU-related condition. Last evaluated: 2026-06-30. Review status: criteria provided, single submitter. Criteria: ACMG Guidelines, 2015. Collection method: clinical testing. Allele origin: germline.
Comment: The TRMU c.69_82+8dup22 variant is predicted to result in an intronic duplication. To our knowledge, this variant has not been reported in the literature. This variant is reported in 0.0042% of alleles in individuals of South Asian descent in gnomAD. At this time, the clinical significance of this variant is uncertain due to the absence of conclusive functional and genetic evidence.

NM_018006.5(TRMU):c.69_82+8dup

Gene: TRMU (tRNA mitochondrial 2-thiouridylase; plus strand). Cytogenetic location: 22q13.31.
Variant type: Duplication.
Coding change: c.69_82+8dup on transcript NM_018006.5 (MANE Select); coding-DNA position 69 through 8 bases into the intron after coding-DNA position 82, 22 bases duplicated (GCTGAGGCGGAGAGGTGAGGCG).
Molecular consequence: splice donor variant.
Genome position (GRCh38, 1-based): chr22:46,335,833-46,335,854, GCTGAGGCGGAGAGGTGAGGCG duplicated. VCF-style (leftmost placement, unchanged base first): chr22-46335832-T-TGCTGAGGCGGAGAGGTGAGGCG. GRCh37 (hg19) VCF-style: chr22-46731729-T-TGCTGAGGCGGAGAGGTGAGGCG.
Other names: c.69_82+8dup (NM_001282785.2); c.-167_-154+8dup (NM_001282782.2); c.-186_-173+8dup (NM_001282783.2, NM_001282784.2).
Identifiers: ClinVar variation 4981039 (VCV004981039.1).